The following is an entry in ClinVar:

ClinVar aggregate classification (germline): Pathogenic. Review status: criteria provided, multiple submitters, no conflicts (2 of 4 stars). 4 submissions from 4 submitters: Pathogenic (3). 1 of the submissions does not count toward it. Last evaluated 2025-09-10.

Conditions:
Hypotonia, infantile, with psychomotor retardation and characteristic facies 2 (IHPRF2). Also called: UNC80 Deficiency. Identifiers: Orphanet 371364, Orphanet 700333, MedGen C4225203, MONDO:0014777, OMIM 616801.

Allele frequency attached by ClinVar (database versions not stated): gnomAD 0.00001; TOPMed 0.00002.

Submissions (4):

Genomic Medicine Center of Excellence, King Faisal Specialist Hospital and Research Centre
Classification: Pathogenic for Hypotonia, infantile, with psychomotor retardation and characteristic facies 2. Last evaluated: 2025-09-10. Review status: criteria provided, single submitter. Criteria: ACMG Guidelines, 2015. Collection method: clinical testing. Allele origin: germline.

GeneDx
Classification: Pathogenic. Last evaluated: 2023-07-25. Review status: criteria provided, single submitter. Criteria: GeneDx Variant Classification Process June 2021. Collection method: clinical testing. Allele origin: germline. Affected: yes.
Comment: Nonsense variant predicted to result in protein truncation or nonsense mediated decay in a gene for which loss of function is a known mechanism of disease; Not observed at significant frequency in large population cohorts (gnomAD); This variant is associated with the following publications: (PMID: 30167850, 31130284)

Labcorp Genetics (formerly Invitae), Labcorp
Classification: Pathogenic. Last evaluated: 2022-10-25. Review status: criteria provided, single submitter. Criteria: Invitae Variant Classification Sherloc (09022015). Collection method: clinical testing. Allele origin: germline.
Comment: For these reasons, this variant has been classified as Pathogenic. ClinVar contains an entry for this variant (Variation ID: 684713). This premature translational stop signal has been observed in individual(s) with clinical features of UNC80-related conditions (PMID: 30167850, 31130284). This variant is present in population databases (rs751913925, gnomAD 0.002%). This sequence change creates a premature translational stop signal (p.Arg174*) in the UNC80 gene. It is expected to result in an absent or disrupted protein product. Loss-of-function variants in UNC80 are known to be pathogenic (PMID: 26545877, 26708751, 26708753).

Yale Center for Mendelian Genomics, Yale University
Classification: Pathogenic for Hypotonia, infantile, with psychomotor retardation and characteristic facies 2. Last evaluated: 2018-08-23. Review status: no assertion criteria provided. Collection method: literature only. Allele origin: germline. Affected: yes. Observed: 4 homozygotes. Not counted in ClinVar's aggregate classification.

Literature cited by the submitters: PubMed 30167850 (cited by Labcorp Genetics (formerly Invitae), Labcorp and Yale Center for Mendelian Genomics, Yale University); PubMed 31130284 (cited by Labcorp Genetics (formerly Invitae), Labcorp); PubMed 26545877 (cited by Labcorp Genetics (formerly Invitae), Labcorp); PubMed 26708751 (cited by Labcorp Genetics (formerly Invitae), Labcorp); PubMed 26708753 (cited by Labcorp Genetics (formerly Invitae), Labcorp).

NM_001371986.1(UNC80):c.520C>T (p.Arg174Ter)

Gene: UNC80 (unc-80 subunit of NALCN channel complex; plus strand). Cytogenetic location: 2q34.
Variant type: single nucleotide variant.
Coding change: c.520C>T on transcript NM_001371986.1 (MANE Select); coding-DNA position 520, C replaced by T.
Protein change: p.Arg174Ter; replaces arginine 174 with a stop codon.
Molecular consequence: nonsense.
Genome position (GRCh38, 1-based): chr2:209,777,479, C>T. VCF-style: chr2-209777479-C-T. GRCh37 (hg19) VCF-style: chr2-210642203-C-T.
Other names: c.520C>T, p.Arg174Ter (NM_032504.2, NM_182587.4); short protein forms R174*.
Identifiers: ClinVar variation 684713 (VCV000684713.7), dbSNP rs751913925, ClinGen allele CA2082758.
Genomic context (GRCh38, chr2:209,777,479, plus strand): 5'-AACCAGGGTTCTCCAGGGCAGCCTTGCCAAAGCAGCTCTAATGACGAAGAAGAGAACAAC[C>T]GAAGAAAGATCTTCCAGAACTCCATGGCTACTGTGGAGCTCTTCGTGTTTCTGTTTGCTC-3'